The following is an entry in ClinVar:

NM_001006658.3(CR2):c.955G>A (p.Gly319Arg)

Genes: CR2 (complement C3d receptor 2; plus strand), LOC126805994 (BRD4-independent group 4 enhancer GRCh37_chr1:207642622-207643821; plus strand). Cytogenetic location: 1q32.2.
Variant type: single nucleotide variant.
Coding change: c.955G>A on transcript NM_001006658.3 (MANE Select); coding-DNA position 955, G replaced by A.
Protein change: p.Gly319Arg; replaces glycine 319 with arginine.
Molecular consequence: missense variant.
Genome position (GRCh38, 1-based): chr1:207,469,832, G>A. VCF-style: chr1-207469832-G-A. GRCh37 (hg19) VCF-style: chr1-207643177-G-A.
Other names: c.955G>A, p.Gly319Arg (NM_001877.5); short protein forms G319R.
Identifiers: ClinVar variation 1899840 (VCV001899840.3), dbSNP rs757068612, ClinGen allele CA1368590.

ClinVar aggregate classification (germline): Uncertain significance. Review status: criteria provided, multiple submitters, no conflicts (2 of 4 stars). 2 submissions from 2 submitters: Uncertain significance (2). Last evaluated 2025-06-30.

Conditions:
Inborn genetic diseases. Identifiers: MedGen C0950123, MeSH D030342.
Immunodeficiency, common variable, 7. Identifiers: Orphanet 1572, Orphanet 696894, MedGen C3542922, MONDO:0013862, OMIM 614699.

Allele frequency attached by ClinVar (database versions not stated): ExAC 0.00001; gnomAD 0.00002; gnomAD exomes 0.00002; TOPMed 0.00002.
gnomAD v4.1: 35 of 1,613,804 alleles (0.0022%); highest among the groups gnomAD compares: Non-Finnish European, 0.0029%; no homozygotes.

Submissions (2):

Ambry Genetics
Classification: Uncertain significance for Inborn genetic diseases. Last evaluated: 2025-06-30. Review status: criteria provided, single submitter. Criteria: Ambry Variant Classification Scheme 2023. Collection method: clinical testing. Allele origin: germline.

Labcorp Genetics (formerly Invitae), Labcorp
Classification: Uncertain significance for Immunodeficiency, common variable, 7. Last evaluated: 2021-12-17. Review status: criteria provided, single submitter. Criteria: Invitae Variant Classification Sherloc (09022015). Collection method: clinical testing. Allele origin: germline.
Comment: This sequence change replaces glycine, which is neutral and non-polar, with arginine, which is basic and polar, at codon 319 of the CR2 protein (p.Gly319Arg). This variant is present in population databases (rs757068612, gnomAD 0.004%). This variant has not been reported in the literature in individuals affected with CR2-related conditions. Algorithms developed to predict the effect of missense changes on protein structure and function are either unavailable or do not agree on the potential impact of this missense change (SIFT: "Deleterious"; PolyPhen-2: "Probably Damaging"; Align-GVGD: "Class C0"). Algorithms developed to predict the effect of sequence changes on RNA splicing suggest that this variant may create or strengthen a splice site. In summary, the available evidence is currently insufficient to determine the role of this variant in disease. Therefore, it has been classified as a Variant of Uncertain Significance.